The following is an entry in ClinVar:

NM_003105.6(SORL1):c.614G>A (p.Arg205Gln)

Gene: SORL1 (sortilin related receptor 1; plus strand). Cytogenetic location: 11q24.1.
Variant type: single nucleotide variant.
Coding change: c.614G>A on transcript NM_003105.6 (MANE Select); coding-DNA position 614, G replaced by A.
Protein change: p.Arg205Gln; replaces arginine 205 with glutamine.
Molecular consequence: missense variant.
Genome position (GRCh38, 1-based): chr11:121,488,117, G>A. VCF-style: chr11-121488117-G-A. GRCh37 (hg19) VCF-style: chr11-121358826-G-A.
Other names: short protein forms R205Q.
Identifiers: ClinVar variation 2888988 (VCV002888988.3), dbSNP rs553081304, ClinGen allele CA6328416.

ClinVar aggregate classification (germline): Uncertain significance (1 of 4 stars; one submission).

Allele frequency attached by ClinVar (database versions not stated): TOPMed 0.00003; ExAC 0.00004; gnomAD 0.00004; 1000 Genomes Project 0.00020; 1000 Genomes Project 30x 0.00031.
gnomAD v4.1: 44 of 1,613,982 alleles (0.0027%); highest among the groups gnomAD compares: South Asian, 0.0066%; no homozygotes.

Submission:

Labcorp Genetics (formerly Invitae), Labcorp
Classification: Uncertain significance. Last evaluated: 2023-05-15. Review status: criteria provided, single submitter. Criteria: Invitae Variant Classification Sherloc (09022015). Collection method: clinical testing. Allele origin: germline.
Comment: In summary, the available evidence is currently insufficient to determine the role of this variant in disease. Therefore, it has been classified as a Variant of Uncertain Significance. An algorithm developed to predict the effect of missense changes on protein structure and function (PolyPhen-2) suggests that this variant is likely to be tolerated. This variant has not been reported in the literature in individuals affected with SORL1-related conditions. This variant is present in population databases (rs553081304, gnomAD 0.01%). This sequence change replaces arginine, which is basic and polar, with glutamine, which is neutral and polar, at codon 205 of the SORL1 protein (p.Arg205Gln).